The following is an entry in ClinVar:

ClinVar aggregate classification (germline): Uncertain significance. Review status: criteria provided, multiple submitters, no conflicts (2 of 4 stars). 2 submissions from 2 submitters: Uncertain significance (2). Last evaluated 2025-12-15.

Conditions:
Floating-Harbor syndrome (FLHS). Also called: Short stature with delayed bone age, expressive language delay, a triangular face with a prominent nose and deep-set eyes; Pelletier-Leisti syndrome; SRCAP-Related Floating-Harbor Syndrome. Identifiers: Orphanet 2044, MedGen C0729582, MONDO:0007621, OMIM 136140.
Developmental delay, hypotonia, musculoskeletal defects, and behavioral abnormalities. Identifiers: MedGen C5562012, MONDO:0859202, OMIM 619595.

Allele frequency attached by ClinVar (database versions not stated): gnomAD 0.00001; gnomAD exomes 0.00001 and 0.00005; TOPMed 0.00003; ExAC 0.00004.
gnomAD v4.1: 16 of 1,613,310 alleles (0.00099%); highest among the groups gnomAD compares: Admixed American, 0.023%; no homozygotes.

Submissions (2):

Labcorp Genetics (formerly Invitae), Labcorp
Classification: Uncertain significance. Last evaluated: 2025-12-15. Review status: criteria provided, single submitter. Criteria: Invitae Variant Classification Sherloc (09022015). Collection method: clinical testing. Allele origin: germline.
Comment: This sequence change replaces arginine, which is basic and polar, with cysteine, which is neutral and slightly polar, at codon 3065 of the SRCAP protein (p.Arg3065Cys). This variant is present in population databases (rs760273993, gnomAD 0.04%), and has an allele count higher than expected for a pathogenic variant. This variant has not been reported in the literature in individuals affected with SRCAP-related conditions. ClinVar contains an entry for this variant (Variation ID: 1488164). Invitae Evidence Modeling of protein sequence and biophysical properties (such as structural, functional, and spatial information, amino acid conservation, physicochemical variation, residue mobility, and thermodynamic stability) has been performed for this missense variant. However, the output from this modeling did not meet the statistical confidence thresholds required to predict the impact of this variant on SRCAP protein function. In summary, the available evidence is currently insufficient to determine the role of this variant in disease. Therefore, it has been classified as a Variant of Uncertain Significance.

Fulgent Genetics
Classification: Uncertain significance for Floating-Harbor syndrome; Developmental delay, hypotonia, musculoskeletal defects, and behavioral abnormalities. Last evaluated: 2021-11-24. Review status: criteria provided, single submitter. Criteria: ACMG Guidelines, 2015. Collection method: clinical testing. Allele origin: unknown.

NM_006662.3(SRCAP):c.9193C>T (p.Arg3065Cys)

Gene: SRCAP (Snf2 related CREBBP activator protein; plus strand). Cytogenetic location: 16p11.2.
Variant type: single nucleotide variant.
Coding change: c.9193C>T on transcript NM_006662.3 (MANE Select); coding-DNA position 9193, C replaced by T.
Protein change: p.Arg3065Cys; replaces arginine 3065 with cysteine.
Molecular consequence: missense variant.
Genome position (GRCh38, 1-based): chr16:30,739,233, C>T. VCF-style: chr16-30739233-C-T. GRCh37 (hg19) VCF-style: chr16-30750554-C-T.
Other names: short protein forms R3065C.
Identifiers: ClinVar variation 1488164 (VCV001488164.9), dbSNP rs760273993, ClinGen allele CA8012853.
Genomic context (GRCh38, chr16:30,739,233, plus strand): 5'-CAGGGCCAAGGGGAGAGTGAGGGTAGTTCCTCTGATGAGGATGGAAGCCGCCCCCTCACC[C>T]GCCTGGCCCGCCTTCGGCTTGAAGCAGAAGGAATGCGAGGACGGAAGAGTGGAGGGTCCA-3'
Protein context (NP_006653.2, residues 3055-3075): SDEDGSRPLT[Arg3065Cys]LARLRLEAEG